The following is an entry in ClinVar:

ClinVar aggregate classification (germline): Likely benign (0 of 4 stars; one submission).

Conditions:
BPTF-related disorder. Also called: BPTF-related condition.

Allele frequency attached by ClinVar (database versions not stated): ExAC 0.00001; gnomAD exomes 0.00001; gnomAD 0.00002; TOPMed 0.00002; ESP Exome Variant Server 0.00008.
gnomAD v4.1: 6 of 1,613,098 alleles (0.00037%); highest among the groups gnomAD compares: African/African-American, 0.0054%; no homozygotes.

Submission:

PreventionGenetics, part of Exact Sciences
Classification: Likely benign for BPTF-related condition. Last evaluated: 2022-07-08. Review status: no assertion criteria provided. Collection method: clinical testing. Allele origin: germline.
Comment: This variant is classified as likely benign based on ACMG/AMP sequence variant interpretation guidelines (Richards et al. 2015 PMID: 25741868, with internal and published modifications).

NM_182641.4(BPTF):c.7794T>C (p.Ser2598=)

Gene: BPTF (bromodomain PHD finger transcription factor; plus strand). Cytogenetic location: 17q24.2.
Variant type: single nucleotide variant.
Coding change: c.7794T>C on transcript NM_182641.4 (MANE Select); coding-DNA position 7794, T replaced by C.
Protein change: p.Ser2598=; no amino-acid change (serine 2598 retained).
Molecular consequence: synonymous variant.
Genome position (GRCh38, 1-based): chr17:67,948,174, T>C. VCF-style: chr17-67948174-T-C. GRCh37 (hg19) VCF-style: chr17-65944290-T-C.
Other names: c.7743T>C, p.Ser2581= (NM_004459.7).
Identifiers: ClinVar variation 3054137 (VCV003054137.2), dbSNP rs138188947, ClinGen allele CA8726430.